The following is an entry in ClinVar:

ClinVar aggregate classification (germline): Benign/Likely benign. Review status: criteria provided, multiple submitters, no conflicts (2 of 4 stars). 5 submissions from 5 submitters: Benign (2); Likely benign (2). 1 of the submissions does not count toward it. Last evaluated 2025-10-29.

Conditions:
CLIC5-related disorder. Also called: CLIC5-related condition.

Allele frequency attached by ClinVar (database versions not stated): 1000 Genomes Project 30x 0.00047; gnomAD 0.00047; TOPMed 0.00054; 1000 Genomes Project 0.00060; ESP Exome Variant Server 0.00085.
gnomAD v4.1: 695 of 1,572,862 alleles (0.044%); highest among the groups gnomAD compares: Middle Eastern, 0.66%; no homozygotes.

Submissions (5):

Labcorp Genetics (formerly Invitae), Labcorp
Classification: Likely benign. Last evaluated: 2025-10-29. Review status: criteria provided, single submitter. Criteria: Invitae Variant Classification Sherloc (09022015). Collection method: clinical testing. Allele origin: germline.

Blueprint Genetics
Classification: Benign. Last evaluated: 2024-11-14. Review status: criteria provided, single submitter. Criteria: ACMG Guidelines, 2015. Collection method: clinical testing. Allele origin: germline.

GeneDx
Classification: Benign. Last evaluated: 2018-10-26. Review status: criteria provided, single submitter. Criteria: GeneDx Variant Classification Process June 2021. Collection method: clinical testing. Allele origin: germline. Affected: yes.

Breakthrough Genomics
Classification: Likely benign. Review status: criteria provided, single submitter. Criteria: ACMG Guidelines, 2015. Collection method: not provided. Allele origin: germline. Inheritance: Autosomal recessive inheritance. Affected: yes.

PreventionGenetics, part of Exact Sciences
Classification: Benign for CLIC5-related condition. Last evaluated: 2019-07-11. Review status: no assertion criteria provided. Collection method: clinical testing. Allele origin: germline. Not counted in ClinVar's aggregate classification.
Comment: This variant is classified as benign based on ACMG/AMP sequence variant interpretation guidelines (Richards et al. 2015 PMID: 25741868, with internal and published modifications).

NM_016929.5(CLIC5):c.425C>T (p.Thr142Ile)

Gene: CLIC5 (CLIC family member 5; minus strand). Cytogenetic location: 6p21.1.
Variant type: single nucleotide variant.
Coding change: c.425C>T on transcript NM_016929.5 (MANE Select); coding-DNA position 425, C replaced by T.
Protein change: p.Thr142Ile; replaces threonine 142 with isoleucine.
Molecular consequence: missense variant. On other transcripts: non-coding transcript variant (3).
Genome position (GRCh38, 1-based): chr6:45,914,391, G>A on the plus strand (C>T on the coding strand, the complement: CLIC5 is on the minus strand). VCF-style: chr6-45914391-G-A. GRCh37 (hg19) VCF-style: chr6-45882128-G-A.
Other names: c.902C>T, p.Thr301Ile (NM_001114086.2, NM_001370650.1); c.425C>T, p.Thr142Ile (NM_001256023.2); c.308C>T, p.Thr103Ile (NM_001370649.1); short protein forms T103I, T142I, T301I.
Identifiers: ClinVar variation 1224185 (VCV001224185.14), dbSNP rs141036777, ClinGen allele CA3836773.